The following is an entry in ClinVar:

NM_000310.4(PPT1):c.537-1G>A

Gene: PPT1 (palmitoyl-protein thioesterase 1; minus strand). Cytogenetic location: 1p34.2.
Variant type: single nucleotide variant.
Coding change: c.537-1G>A on transcript NM_000310.4 (MANE Select); the canonical splice acceptor site of the intron before coding-DNA position 537, G replaced by A.
Molecular consequence: splice acceptor variant.
Genome position (GRCh38, 1-based): chr1:40,080,488, C>T on the plus strand (G>A on the coding strand, the complement: PPT1 is on the minus strand). VCF-style: chr1-40080488-C-T. GRCh37 (hg19) VCF-style: chr1-40546160-C-T.
Other names: c.228-1G>A (NM_001142604.2); c.537-1G>A (NM_001363695.2).
Identifiers: ClinVar variation 3370428 (VCV003370428.1).

ClinVar aggregate classification (germline): Likely pathogenic (0 of 4 stars; one submission).

Conditions:
Neuronal ceroid lipofuscinosis 1 (CLN1). Also called: CEROID LIPOFUSCINOSIS, NEURONAL, 1, VARIABLE AGE AT ONSET; PPT1-Related Neuronal Ceroid-Lipofuscinosis. Identifiers: Orphanet 228329, MedGen C1850451, MONDO:0009744, OMIM 256730.

Submission:

Department of Genetics, Suzhou Beikang Medical Laboratory
Classification: Likely pathogenic for Neuronal ceroid lipofuscinosis 1. Last evaluated: 2024-10-31. Review status: no assertion criteria provided. Collection method: clinical testing. Allele origin: germline. Affected: no.
Comment: In summary, the currently available evidence indicates that the variant is pathogenic, but additional data are needed to prove that conclusively. Therefore, this variant has been classified as Likely Pathogenic.This sequence change affects an acceptor splice site in intron 5 of the PPT1 gene. It is expected to disrupt RNA splicing. Variants that disrupt the donor or acceptor splice site typically lead to a loss of protein function (PMID: 16199547), and loss-of-function variants in PPT1 are known to be pathogenic (PMID: 10679943;21990111). Algorithms developed to predict the effect of sequence changes on RNA splicing suggest that this variant may disrupt the consensus splice site.This variant is not present in population databases (gnomAD no frequency). This variant has not been reported in the literature in individuals affected with Ceroid lipofuscinosis.